The following is an entry in ClinVar:

ClinVar aggregate classification (germline): Uncertain significance (1 of 4 stars; one submission).

Submission:

Labcorp Genetics (formerly Invitae), Labcorp
Classification: Uncertain significance. Last evaluated: 2025-02-17. Review status: criteria provided, single submitter. Criteria: Invitae Variant Classification Sherloc (09022015). Collection method: clinical testing. Allele origin: germline.
Comment: This sequence change replaces tyrosine, which is neutral and polar, with cysteine, which is neutral and slightly polar, at codon 296 of the PTH1R protein (p.Tyr296Cys). This variant is present in population databases (rs753946111, gnomAD 0.007%). This variant has not been reported in the literature in individuals affected with PTH1R-related conditions. Invitae Evidence Modeling of protein sequence and biophysical properties (such as structural, functional, and spatial information, amino acid conservation, physicochemical variation, residue mobility, and thermodynamic stability) indicates that this missense variant is not expected to disrupt PTH1R protein function with a negative predictive value of 80%. In summary, the available evidence is currently insufficient to determine the role of this variant in disease. Therefore, it has been classified as a Variant of Uncertain Significance.

NM_000316.3(PTH1R):c.887A>G (p.Tyr296Cys)

Gene: PTH1R (parathyroid hormone 1 receptor; plus strand). Cytogenetic location: 3p21.31.
Variant type: single nucleotide variant.
Coding change: c.887A>G on transcript NM_000316.3 (MANE Select); coding-DNA position 887, A replaced by G.
Protein change: p.Tyr296Cys; replaces tyrosine 296 with cysteine.
Molecular consequence: missense variant.
Genome position (GRCh38, 1-based): chr3:46,899,355, A>G. VCF-style: chr3-46899355-A-G. GRCh37 (hg19) VCF-style: chr3-46940845-A-G.
Other names: c.887A>G, p.Tyr296Cys (NM_001184744.1); short protein forms Y296C.
Identifiers: ClinVar variation 4698152 (VCV004698152.1).